The following is an entry in ClinVar:

NM_003051.4(SLC16A1):c.592A>G (p.Ile198Val)

Gene: SLC16A1 (solute carrier family 16 member 1; minus strand). Cytogenetic location: 1p13.2.
Variant type: single nucleotide variant.
Coding change: c.592A>G on transcript NM_003051.4 (MANE Select); coding-DNA position 592, A replaced by G.
Protein change: p.Ile198Val; replaces isoleucine 198 with valine.
Molecular consequence: missense variant.
Genome position (GRCh38, 1-based): chr1:112,917,814, T>C on the plus strand (A>G on the coding strand, the complement: SLC16A1 is on the minus strand). VCF-style: chr1-112917814-T-C. GRCh37 (hg19) VCF-style: chr1-113460436-T-C.
Other names: c.592A>G, p.Ile198Val (NM_001166496.2); short protein forms I198V.
Identifiers: ClinVar variation 3006993 (VCV003006993.3), dbSNP rs1201942514, ClinGen allele CA341828641.

ClinVar aggregate classification (germline): Uncertain significance (1 of 4 stars; one submission).

Allele frequency attached by ClinVar (database versions not stated): gnomAD exomes below 0.00001; TOPMed 0.00001.
gnomAD v4.1: 1 of 1,614,160 alleles (0.000062%); highest among the groups gnomAD compares: East Asian, 0.0022%; no homozygotes.

Submission:

Labcorp Genetics (formerly Invitae), Labcorp
Classification: Uncertain significance. Last evaluated: 2023-06-04. Review status: criteria provided, single submitter. Criteria: Invitae Variant Classification Sherloc (09022015). Collection method: clinical testing. Allele origin: germline.
Comment: In summary, the available evidence is currently insufficient to determine the role of this variant in disease. Therefore, it has been classified as a Variant of Uncertain Significance. An algorithm developed to predict the effect of missense changes on protein structure and function (PolyPhen-2) suggests that this variant is likely to be tolerated. This variant has not been reported in the literature in individuals affected with SLC16A1-related conditions. This variant is present in population databases (no rsID available, gnomAD 0.006%). This sequence change replaces isoleucine, which is neutral and non-polar, with valine, which is neutral and non-polar, at codon 198 of the SLC16A1 protein (p.Ile198Val).